The following is an entry in ClinVar:

NM_207361.6(FREM2):c.332A>T (p.Asp111Val)

Gene: FREM2 (FRAS1 related extracellular matrix 2; plus strand). Cytogenetic location: 13q13.3.
Variant type: single nucleotide variant.
Coding change: c.332A>T on transcript NM_207361.6 (MANE Select); coding-DNA position 332, A replaced by T.
Protein change: p.Asp111Val; replaces aspartic acid 111 with valine.
Molecular consequence: missense variant.
Genome position (GRCh38, 1-based): chr13:38,687,676, A>T. VCF-style: chr13-38687676-A-T. GRCh37 (hg19) VCF-style: chr13-39261813-A-T.
Other names: short protein forms D111V.
Identifiers: ClinVar variation 423183 (VCV000423183.2), dbSNP rs761430669, ClinGen allele CA16619806.

ClinVar aggregate classification (germline): Uncertain significance (1 of 4 stars; one submission).

Allele frequency attached by ClinVar (database versions not stated): TOPMed below 0.00001; gnomAD 0.00001.
gnomAD v4.1: 1 of 1,590,810 alleles (0.000063%); highest among the groups gnomAD compares: Non-Finnish European, 0.000086%; no homozygotes.

Submission:

GeneDx
Classification: Uncertain significance. Last evaluated: 2017-02-07. Review status: criteria provided, single submitter. Criteria: GeneDx Variant Classification (06012015). Collection method: clinical testing. Allele origin: germline. Affected: yes.
Comment: The D111V variant in the FREM2 gene has not been reported previously as a pathogenic variant, nor as a benign variant, to our knowledge. This variant is not observed in large population cohorts (Lek et al., 2016; 1000 Genomes Consortium et al., 2015; Exome Variant Server). The D111V variant is a non-conservative amino acid substitution, which is likely to impact secondary protein structure as these residues differ in polarity, charge, size and/or other properties. This substitution occurs at a position that is conserved in mammals. In silico analysis predicts this variant is probably damaging to the protein structure/function. We interpret D111V as a variant of uncertain significance.